The following is an entry in ClinVar:

ClinVar aggregate classification (germline): Uncertain significance (1 of 4 stars; one submission).

Conditions:
Congenital heart defects, dysmorphic facial features, and intellectual developmental disorder (CHDFIDD). Identifiers: Orphanet 646278, MedGen C4479246, MONDO:0044302, OMIM 617360.

Allele frequency attached by ClinVar (database versions not stated): gnomAD exomes below 0.00001; ExAC 0.00001.
gnomAD v4.1: 1 of 1,613,698 alleles (0.000062%); highest among the groups gnomAD compares: South Asian, 0.0011%; no homozygotes.

Submission:

Baylor Genetics
Classification: Uncertain significance for Congenital heart defects, dysmorphic facial features, and intellectual developmental disorder. Last evaluated: 2019-05-10. Review status: criteria provided, single submitter. Criteria: ACMG Guidelines, 2015. Collection method: clinical testing. Allele origin: maternal. Affected: yes.
Comment: This variant was determined to be of uncertain significance according to ACMG Guidelines, 2015 [PMID:25741868].

NM_003718.5(CDK13):c.3190C>T (p.Pro1064Ser)

Gene: CDK13 (cyclin dependent kinase 13; plus strand). Cytogenetic location: 7p14.1.
Variant type: single nucleotide variant.
Coding change: c.3190C>T on transcript NM_003718.5 (MANE Select); coding-DNA position 3190, C replaced by T.
Protein change: p.Pro1064Ser; replaces proline 1064 with serine.
Molecular consequence: missense variant.
Genome position (GRCh38, 1-based): chr7:40,088,286, C>T. VCF-style: chr7-40088286-C-T. GRCh37 (hg19) VCF-style: chr7-40127885-C-T.
Other names: c.3190C>T, p.Pro1064Ser (NM_031267.4); short protein forms P1064S.
Identifiers: ClinVar variation 1028146 (VCV001028146.1), dbSNP rs767986350, ClinGen allele CA4228888.
Genomic context (GRCh38, chr7:40,088,286, plus strand): 5'-AGGAAGGACTTGTCTCTGGGCTTGGATGACAGCAGAACCAACACACCCCAGGGTGTGCTG[C>T]CATCTTCACAGCTGAAATCTCAGGGCAGCTCAAATGTGGCACCTGGTCAGTAATGCTTCC-3'
Protein context (NP_003709.3, residues 1054-1074): SRTNTPQGVL[Pro1064Ser]SSQLKSQGSS